The following is an entry in ClinVar:

NM_001320752.2(STS):c.241C>T (p.Arg81Trp)

Gene: STS (steroid sulfatase; plus strand). Cytogenetic location: Xp22.31.
Variant type: single nucleotide variant.
Coding change: c.241C>T on transcript NM_001320752.2 (MANE Select); coding-DNA position 241, C replaced by T.
Protein change: p.Arg81Trp; replaces arginine 81 with tryptophan.
Molecular consequence: missense variant.
Genome position (GRCh38, 1-based): chrX:7,257,345, C>T. VCF-style: chrX-7257345-C-T. GRCh37 (hg19) VCF-style: chrX-7175386-C-T.
Other names: c.241C>T, p.Arg81Trp (NM_000351.7, NM_001320753.2, NM_001320754.2); c.277C>T, p.Arg93Trp (NM_001320750.3, NM_001320751.2); short protein forms R81W, R93W.
Identifiers: ClinVar variation 1683504 (VCV001683504.5), dbSNP rs1259321805, ClinGen allele CA412019586.

ClinVar aggregate classification (germline): Conflicting classifications of pathogenicity. Review status: criteria provided, conflicting classifications (1 of 4 stars). 2 submissions from 2 submitters: Pathogenic (1); Uncertain significance (1). Last evaluated 2024-12-04.

Conditions:
X-linked ichthyosis with steryl-sulfatase deficiency (XLI). Also called: Ichthyosis, X-Linked; Recessive X-linked ichthyosis; PLACENTAL STEROID SULFATASE DEFICIENCY; STEROID SULFATASE DEFICIENCY; STEROID SULFATASE DEFICIENCY DISEASE; STS DEFICIENCY. Identifiers: Orphanet 461, MedGen C0079588, MONDO:0010622, OMIM 308100.

Allele frequency attached by ClinVar (database versions not stated): gnomAD exomes below 0.00001 and 0.00001.
gnomAD v4.1: 1 of 1,211,707 alleles (0.000083%); highest among the groups gnomAD compares: Non-Finnish European, 0.00011%; no homozygotes.

Submissions (2):

Labcorp Genetics (formerly Invitae), Labcorp
Classification: Pathogenic. Last evaluated: 2024-12-04. Review status: criteria provided, single submitter. Criteria: Invitae Variant Classification Sherloc (09022015). Collection method: clinical testing. Allele origin: germline.
Comment: This sequence change replaces arginine, which is basic and polar, with tryptophan, which is neutral and slightly polar, at codon 86 of the STS protein (p.Arg86Trp). This variant is present in population databases (no rsID available, gnomAD 0.001%). This missense change has been observed in individual(s) with STS-related conditions (PMID: 35822528; internal data). In at least one individual the variant was observed to be de novo. ClinVar contains an entry for this variant (Variation ID: 1683504). Invitae Evidence Modeling of protein sequence and biophysical properties (such as structural, functional, and spatial information, amino acid conservation, physicochemical variation, residue mobility, and thermodynamic stability) indicates that this missense variant is expected to disrupt STS protein function with a positive predictive value of 80%. For these reasons, this variant has been classified as Pathogenic.

Laboratorio de Genetica e Diagnostico Molecular, Hospital Israelita Albert Einstein
Classification: Uncertain significance for X-linked ichthyosis with steryl-sulfatase deficiency. Last evaluated: 2021-02-25. Review status: criteria provided, single submitter. Criteria: ACMG Guidelines, 2015. Collection method: clinical testing. Allele origin: germline. Affected: yes.
Comment: ACMG classification criteria: PM2, PP3

Literature cited by the submitters: PubMed 35822528 (cited by Labcorp Genetics (formerly Invitae), Labcorp).